The following is an entry in ClinVar:

NM_002350.4(LYN):c.10A>G (p.Ile4Val)

Gene: LYN (LYN proto-oncogene, Src family tyrosine kinase; plus strand). Cytogenetic location: 8q12.1.
Variant type: single nucleotide variant.
Coding change: c.10A>G on transcript NM_002350.4 (MANE Select); coding-DNA position 10, A replaced by G.
Protein change: p.Ile4Val; replaces isoleucine 4 with valine.
Molecular consequence: missense variant.
Genome position (GRCh38, 1-based): chr8:55,941,869, A>G. VCF-style: chr8-55941869-A-G. GRCh37 (hg19) VCF-style: chr8-56854428-A-G.
Other names: c.10A>G, p.Ile4Val (NM_001111097.3); short protein forms I4V.
Identifiers: ClinVar variation 2187174 (VCV002187174.4), dbSNP rs1203220814, ClinGen allele CA371277682.
Genomic context (GRCh38, chr8:55,941,869, plus strand): 5'-AGTTCTGGAATGGTAAAACAATGTCATTACTTTTATGTTTCAACAGGAAATATGGGATGT[A>G]TAAAATCAAAAGGGAAAGACAGCTTGAGTGACGATGGAGTAGATTTGAAGACTCAACCAG-3'
Protein context (NP_002341.1, residues 1-14): MGC[Ile4Val]KSKGKDSLSD

ClinVar aggregate classification (germline): Uncertain significance (1 of 4 stars; one submission).

Allele frequency attached by ClinVar (database versions not stated): TOPMed below 0.00001; gnomAD 0.00002; gnomAD exomes 0.00003.
gnomAD v4.1: 51 of 1,613,114 alleles (0.0032%); highest among the groups gnomAD compares: Non-Finnish European, 0.0042%; no homozygotes.

Submission:

Labcorp Genetics (formerly Invitae), Labcorp
Classification: Uncertain significance. Last evaluated: 2023-08-06. Review status: criteria provided, single submitter. Criteria: Invitae Variant Classification Sherloc (09022015). Collection method: clinical testing. Allele origin: germline.
Comment: In summary, the available evidence is currently insufficient to determine the role of this variant in disease. Therefore, it has been classified as a Variant of Uncertain Significance. An algorithm developed to predict the effect of missense changes on protein structure and function (PolyPhen-2) suggests that this variant is likely to be tolerated. ClinVar contains an entry for this variant (Variation ID: 2187174). This variant has not been reported in the literature in individuals affected with LYN-related conditions. This variant is present in population databases (no rsID available, gnomAD 0.002%). This sequence change replaces isoleucine, which is neutral and non-polar, with valine, which is neutral and non-polar, at codon 4 of the LYN protein (p.Ile4Val).